The following is an entry in ClinVar:

ClinVar aggregate classification (germline): Pathogenic. Review status: criteria provided, multiple submitters, no conflicts (2 of 4 stars). 2 submissions from 2 submitters: Pathogenic (2). Last evaluated 2023-03-09.

Conditions:
Hereditary cancer-predisposing syndrome. Also called: Neoplastic Syndromes, Hereditary; Hereditary neoplastic syndrome; Tumor predisposition; Hereditary Cancer Syndrome. Identifiers: Orphanet 140162, MedGen C0027672, MeSH D009386, MONDO:0015356.
Cardiovascular phenotype. Identifiers: MedGen CN230736.
Neurofibromatosis, type 1 (NF1). Also called: Peripheral type neurofibromatosis; Neurofibromatosis, type I; VON RECKLINGHAUSEN DISEASE; NEUROFIBROMATOSIS, TYPE I, SOMATIC. Identifiers: Orphanet 636, MedGen C0027831, MONDO:0018975, OMIM 162200. Disease mechanism: loss of function.

Submissions (2):

Ambry Genetics
Classification: Pathogenic for Cardiovascular phenotype; Hereditary cancer-predisposing syndrome. Last evaluated: 2023-03-09. Review status: criteria provided, single submitter. Criteria: Ambry Variant Classification Scheme 2023. Collection method: clinical testing. Allele origin: germline.
Comment: The p.K2351* pathogenic mutation (also known as c.7051A>T), located in coding exon 47 of the NF1 gene, results from an A to T substitution at nucleotide position 7051. This changes the amino acid from a lysine to a stop codon within coding exon 47. This variant is considered to be rare based on population cohorts in the Genome Aggregation Database (gnomAD). This alteration is expected to result in loss of function by premature protein truncation or nonsense-mediated mRNA decay. As such, this alteration is interpreted as a disease-causing mutation.

Labcorp Genetics (formerly Invitae), Labcorp
Classification: Pathogenic for Neurofibromatosis, type 1. Last evaluated: 2019-03-27. Review status: criteria provided, single submitter. Criteria: Invitae Variant Classification Sherloc (09022015). Collection method: clinical testing. Allele origin: germline.
Comment: This sequence change creates a premature translational stop signal (p.Lys2351*) in the NF1 gene. It is expected to result in an absent or disrupted protein product. This variant is not present in population databases (ExAC no frequency). This variant has not been reported in the literature in individuals with NF1-related conditions. Loss-of-function variants in NF1 are known to be pathogenic (PMID: 10712197, 23913538). For these reasons, this variant has been classified as Pathogenic.

Literature cited by the submitters: PubMed 10712197 (cited by Labcorp Genetics (formerly Invitae), Labcorp); PubMed 23913538 (cited by Labcorp Genetics (formerly Invitae), Labcorp).

NM_001042492.3(NF1):c.7114A>T (p.Lys2372Ter)

Gene: NF1 (neurofibromin 1; plus strand). Cytogenetic location: 17q11.2.
Variant type: single nucleotide variant.
Coding change: c.7114A>T on transcript NM_001042492.3 (MANE Select); coding-DNA position 7114, A replaced by T.
Protein change: p.Lys2372Ter; replaces lysine 2372 with a stop codon.
Molecular consequence: nonsense.
Genome position (GRCh38, 1-based): chr17:31,343,060, A>T. VCF-style: chr17-31343060-A-T. GRCh37 (hg19) VCF-style: chr17-29670078-A-T.
Other names: c.7051A>T, p.Lys2351Ter (NM_000267.4); short protein forms K2351*, K2372*.
Identifiers: ClinVar variation 838652 (VCV000838652.8), dbSNP rs776506332, ClinGen allele CA399015616.
Genomic context (GRCh38, chr17:31,343,060, plus strand): 5'-CTTTAATAGAGTCCAGAGGAAGTATTTATGGCAATCCGGAATCCTCTGGAGTGGCACTGC[A>T]AGCAAATGGATCATTTTGTTGGACTCAATTTCAACTCTAACTTTAACTTTGCATTGGTTG-3'